The following is an entry in ClinVar:

NM_001165963.4(SCN1A):c.3241G>T (p.Gly1081Ter)

Genes: SCN1A (sodium voltage-gated channel alpha subunit 1; minus strand), LOC102724058 (uncharacterized LOC102724058; plus strand). Cytogenetic location: 2q24.3.
Variant type: single nucleotide variant.
Coding change: c.3241G>T on transcript NM_001165963.4 (MANE Select); coding-DNA position 3241, G replaced by T.
Protein change: p.Gly1081Ter; replaces glycine 1081 with a stop codon.
Molecular consequence: nonsense. On other transcripts: non-coding transcript variant (2).
Genome position (GRCh38, 1-based): chr2:166,036,236, C>A on the plus strand (G>T on the coding strand, the complement: SCN1A is on the minus strand). VCF-style: chr2-166036236-C-A. GRCh37 (hg19) VCF-style: chr2-166892746-C-A.
Other names: c.3157G>T, p.Gly1053Ter (NM_001165964.3, NM_001353957.2, NM_001353958.2); c.3241G>T, p.Gly1081Ter (NM_001202435.3, NM_001353948.2); c.3208G>T, p.Gly1070Ter (NM_001353949.2, NM_001353950.2, NM_001353951.2 and 2 more transcripts); c.3205G>T, p.Gly1069Ter (NM_001353954.2, NM_001353955.2); c.3154G>T, p.Gly1052Ter (NM_001353960.2); c.799G>T, p.Gly267Ter (NM_001353961.2); short protein forms G1053*, G1052*, G1070*, G267*, G1069*, G1081*.
Identifiers: ClinVar variation 1362310 (VCV001362310.7), dbSNP rs1248613652, ClinGen allele CA349059492.
Genomic context (GRCh38, chr2:166,036,236, plus strand): 5'-CACTTTCATCAATAATGTATTTTTCAACACTGCTGCCAGTTCCTATACCACTTGTAGTTC[C>A]ATTTACATCTTTAAGATAGTCAAGATCTTTCCCAATTTCTGCTGTATGATTGGACATACA-3'

ClinVar aggregate classification (germline): Pathogenic (1 of 4 stars; one submission).

Conditions:
Early-infantile DEE. Also called: Early infantile epileptic encephalopathy with suppression bursts; Early infantile epileptic encephalopathy; Ohtahara syndrome. Identifiers: Orphanet 1934, MedGen C0393706, MONDO:0800491.

Submission:

Labcorp Genetics (formerly Invitae), Labcorp
Classification: Pathogenic for Early-infantile DEE. Last evaluated: 2021-02-15. Review status: criteria provided, single submitter. Criteria: Invitae Variant Classification Sherloc (09022015). Collection method: clinical testing. Allele origin: germline.
Comment: This variant has not been reported in the literature in individuals with SCN1A-related conditions. For these reasons, this variant has been classified as Pathogenic. This variant is not present in population databases (ExAC no frequency). This sequence change creates a premature translational stop signal (p.Gly1081*) in the SCN1A gene. It is expected to result in an absent or disrupted protein product. Loss-of-function variants in SCN1A are known to be pathogenic (PMID: 17347258, 18930999).

Literature cited by the submitters: PubMed 17347258; PubMed 18930999.